The following is an entry in ClinVar:

ClinVar aggregate classification (germline): Uncertain significance (1 of 4 stars; one submission).

gnomAD v4.1: 1 of 1,601,200 alleles (0.000062%); highest among the groups gnomAD compares: Non-Finnish European, 0.000086%; no homozygotes.

Submission:

Ambry Genetics
Classification: Uncertain significance. Last evaluated: 2025-04-19. Review status: criteria provided, single submitter. Criteria: Ambry Variant Classification Scheme 2023. Collection method: clinical testing. Allele origin: germline.
Comment: The p.E427V variant (also known as c.1280A>T), located in coding exon 12 of the GEN1 gene, results from an A to T substitution at nucleotide position 1280. The glutamic acid at codon 427 is replaced by valine, an amino acid with dissimilar properties. This amino acid position is conserved. In addition, this alteration is predicted to be tolerated by in silico analysis. Based on the available evidence, the clinical significance of this variant remains unclear.

NM_001130009.3(GEN1):c.1280A>T (p.Glu427Val)

Gene: GEN1 (GEN1 Holliday junction 5' flap endonuclease; plus strand). Cytogenetic location: 2p24.2.
Variant type: single nucleotide variant.
Coding change: c.1280A>T on transcript NM_001130009.3 (MANE Select); coding-DNA position 1280, A replaced by T.
Protein change: p.Glu427Val; replaces glutamic acid 427 with valine.
Molecular consequence: missense variant.
Genome position (GRCh38, 1-based): chr2:17,779,993, A>T. VCF-style: chr2-17779993-A-T. GRCh37 (hg19) VCF-style: chr2-17961260-A-T.
Other names: c.1280A>T, p.Glu427Val (NM_182625.5); short protein forms E427V.
Identifiers: ClinVar variation 4029252 (VCV004029252.1).